The following is an entry in ClinVar:

ClinVar aggregate classification (germline): Likely benign. Review status: criteria provided, multiple submitters, no conflicts (2 of 4 stars). 3 submissions from 3 submitters: Likely benign (2). 1 of the submissions does not count toward it. Last evaluated 2025-12-23.

Conditions:
PCNT-related disorder. Also called: PCNT-related condition.

Allele frequency attached by ClinVar (database versions not stated): gnomAD 0.00001; ExAC 0.00004; gnomAD exomes 0.00006; 1000 Genomes Project 0.00080.

Submissions (3):

Labcorp Genetics (formerly Invitae), Labcorp
Classification: Likely benign. Last evaluated: 2025-12-23. Review status: criteria provided, single submitter. Criteria: Invitae Variant Classification Sherloc (09022015). Collection method: clinical testing. Allele origin: germline.

Blueprint Genetics
Classification: Likely benign. Last evaluated: 2024-09-10. Review status: criteria provided, single submitter. Criteria: ACMG Guidelines, 2015. Collection method: clinical testing. Allele origin: germline.

PreventionGenetics, part of Exact Sciences
Classification: Likely benign for PCNT-related condition. Last evaluated: 2021-03-19. Review status: no assertion criteria provided. Collection method: clinical testing. Allele origin: germline. Not counted in ClinVar's aggregate classification.
Comment: This variant is classified as likely benign based on ACMG/AMP sequence variant interpretation guidelines (Richards et al. 2015 PMID: 25741868, with internal and published modifications).

NM_006031.6(PCNT):c.459A>G (p.Pro153=)

Gene: PCNT (pericentrin; plus strand). Cytogenetic location: 21q22.3.
Variant type: single nucleotide variant.
Coding change: c.459A>G on transcript NM_006031.6 (MANE Select); coding-DNA position 459, A replaced by G.
Protein change: p.Pro153=; no amino-acid change (proline 153 retained).
Molecular consequence: synonymous variant.
Genome position (GRCh38, 1-based): chr21:46,334,588, A>G. VCF-style: chr21-46334588-A-G. GRCh37 (hg19) VCF-style: chr21-47754502-A-G.
Other names: c.459A>G (NM_006031.5); c.105A>G, p.Pro35= (NM_001315529.2).
Identifiers: ClinVar variation 1583160 (VCV001583160.11), dbSNP rs570419067, ClinGen allele CA10078265.